The following is an entry in ClinVar:

ClinVar aggregate classification (germline): Pathogenic/Likely pathogenic. Review status: criteria provided, multiple submitters, no conflicts (2 of 4 stars). 4 submissions from 4 submitters: Pathogenic (3); Likely pathogenic (1). Last evaluated 2025-07-01.

Conditions:
Hereditary cancer-predisposing syndrome. Also called: Hereditary neoplastic syndrome; Hereditary Cancer Syndrome; Neoplastic Syndromes, Hereditary; Tumor predisposition. Identifiers: Orphanet 140162, MedGen C0027672, MeSH D009386, MONDO:0015356.
Familial cancer of breast. Also called: BREAST CANCER, FAMILIAL; hereditary breast carcinoma; Hereditary breast cancer. Identifiers: Orphanet 227535, MedGen C0346153, MONDO:0016419, OMIM 114480. Disease mechanism: loss of function.

Submissions (4):

Labcorp Genetics (formerly Invitae), Labcorp
Classification: Pathogenic for Familial cancer of breast. Last evaluated: 2025-07-01. Review status: criteria provided, single submitter. Criteria: Invitae Variant Classification Sherloc (09022015). Collection method: clinical testing. Allele origin: germline.
Comment: This sequence change creates a premature translational stop signal (p.Trp93Leufs*15) in the CHEK2 gene. It is expected to result in an absent or disrupted protein product. Loss-of-function variants in CHEK2 are known to be pathogenic (PMID: 21876083, 24713400). This variant is not present in population databases (gnomAD no frequency). This variant has not been reported in the literature in individuals affected with CHEK2-related conditions. ClinVar contains an entry for this variant (Variation ID: 234677). For these reasons, this variant has been classified as Pathogenic.

Ambry Genetics
Classification: Pathogenic for Hereditary cancer-predisposing syndrome. Last evaluated: 2025-01-30. Review status: criteria provided, single submitter. Criteria: Ambry Variant Classification Scheme 2023. Collection method: clinical testing. Allele origin: germline.
Comment: The c.276dupC pathogenic mutation, located in coding exon 1 of the CHEK2 gene, results from a duplication of C at nucleotide position 276, causing a translational frameshift with a predicted alternate stop codon (p.W93Lfs*15). This alteration is expected to result in loss of function by premature protein truncation or nonsense-mediated mRNA decay. As such, this alteration is interpreted as a disease-causing mutation.

Myriad Genetics, Inc.
Classification: Pathogenic for Familial cancer of breast. Last evaluated: 2023-06-23. Review status: criteria provided, single submitter. Criteria: Myriad Autosomal Dominant, Autosomal Recessive and X-Linked Classification Criteria (2023). Collection method: clinical testing. Allele origin: unknown.
Comment: This variant is considered pathogenic. This variant creates a frameshift predicted to result in premature protein truncation.

GeneDx
Classification: Likely pathogenic. Last evaluated: 2015-12-08. Review status: criteria provided, single submitter. Criteria: GeneDx Variant Classification (06012015). Collection method: clinical testing. Allele origin: germline. Affected: yes.
Comment: This duplication of one nucleotide in CHEK2 is denoted c.276dupC at the cDNA level and p.Trp93LeufsX15(W93LfsX15) at the protein level. The normal sequence, with the base that is duplicated in braces, is GCCCC{C}TGGG. The duplication causes a frameshift, which changes a Tryptophan to a Leucine at codon 93, and creates a premature stop codon at position 15 of the new reading frame. Although this variant has not, to our knowledge, been reported in the literature, it is predicted to cause loss of normal protein function through either protein truncation or nonsense-mediated mRNA decay. Based on the currently available information, we consider this duplication to be a likely pathogenic variant.

Literature cited by the submitters: PubMed 21876083 (cited by Labcorp Genetics (formerly Invitae), Labcorp); PubMed 24713400 (cited by Labcorp Genetics (formerly Invitae), Labcorp).

NM_007194.4(CHEK2):c.276dup (p.Trp93fs)

Gene: CHEK2 (checkpoint kinase 2; minus strand). Cytogenetic location: 22q12.1.
Variant type: Duplication.
Coding change: c.276dup on transcript NM_007194.4 (MANE Select); coding-DNA position 276, one base duplicated (C; older notation c.276dupC).
Protein change: p.Trp93fs; shifts the reading frame from tryptophan 93.
Molecular consequence: frameshift variant.
Genome position (GRCh38, 1-based): chr22:28,734,446, G duplicated on the plus strand (C on the coding strand, the reverse complement: CHEK2 is on the minus strand); the first of 5 consecutive G bases (chr22:28,734,446-28,734,450); duplicating any one gives the same sequence. VCF-style (leftmost placement, unchanged base first): chr22-28734445-A-AG. GRCh37 (hg19) VCF-style: chr22-29130433-A-AG.
Other names: c.276dup (NM_007194.3); c.272dup, p.Trp93Leufs (NM_001005735.3, NM_001349956.3, NM_145862.3); c.-506dup (NM_001257387.3); short protein forms W93fs.
Identifiers: ClinVar variation 234677 (VCV000234677.17), dbSNP rs876661156, ClinGen allele CA10577643.